The following is an entry in ClinVar:

NM_005228.5(EGFR):c.2947-1G>T

Gene: EGFR (epidermal growth factor receptor; plus strand). Cytogenetic location: 7p11.2.
Variant type: single nucleotide variant.
Coding change: c.2947-1G>T on transcript NM_005228.5 (MANE Select); the canonical splice acceptor site of the intron before coding-DNA position 2947, G replaced by T.
Molecular consequence: splice acceptor variant.
Genome position (GRCh38, 1-based): chr7:55,201,187, G>T. VCF-style: chr7-55201187-G-T. GRCh37 (hg19) VCF-style: chr7-55268880-G-T.
Other names: c.2812-1G>T (NM_001346899.2, NM_001346897.2); c.2146-1G>T (NM_001346941.2); c.2947-1G>T (NM_001346898.2); c.2788-1G>T (NM_001346900.2).
Identifiers: ClinVar variation 1951338 (VCV001951338.5), dbSNP rs1787830570, ClinGen allele CA367582330.

ClinVar aggregate classification (germline): Likely pathogenic (1 of 4 stars; one submission).

Conditions:
EGFR-related lung cancer (EGFR). Identifiers: MedGen CN130014.

Allele frequency attached by ClinVar (database versions not stated): gnomAD exomes below 0.00001.
gnomAD v4.1: 7 of 1,614,196 alleles (0.00043%); highest among the groups gnomAD compares: Non-Finnish European, 0.00059%; no homozygotes.

Submission:

Labcorp Genetics (formerly Invitae), Labcorp
Classification: Likely pathogenic for EGFR-related lung cancer. Last evaluated: 2022-08-03. Review status: criteria provided, single submitter. Criteria: Invitae Variant Classification Sherloc (09022015). Collection method: clinical testing. Allele origin: germline.
Comment: This variant has not been reported in the literature in individuals affected with EGFR-related conditions. This variant is not present in population databases (gnomAD no frequency). This sequence change affects an acceptor splice site in intron 24 of the EGFR gene. It is expected to disrupt RNA splicing. Variants that disrupt the donor or acceptor splice site typically lead to a loss of protein function (PMID: 16199547), and loss-of-function variants in EGFR are known to be pathogenic (PMID: 7630400, 28726809, 29899996). Algorithms developed to predict the effect of sequence changes on RNA splicing suggest that this variant may disrupt the consensus splice site. In summary, the currently available evidence indicates that the variant is pathogenic, but additional data are needed to prove that conclusively. Therefore, this variant has been classified as Likely Pathogenic.

Literature cited by the submitters: PubMed 16199547; PubMed 7630400; PubMed 28726809; PubMed 29899996.